The following is an entry in ClinVar:

NM_021813.4(BACH2):c.1235G>A (p.Arg412Lys)

Gene: BACH2 (BACH transcriptional regulator 2; minus strand). Cytogenetic location: 6q15.
Variant type: single nucleotide variant.
Coding change: c.1235G>A on transcript NM_021813.4 (MANE Select); coding-DNA position 1235, G replaced by A.
Protein change: p.Arg412Lys; replaces arginine 412 with lysine.
Molecular consequence: missense variant.
Genome position (GRCh38, 1-based): chr6:89,950,871, C>T on the plus strand (G>A on the coding strand, the complement: BACH2 is on the minus strand). VCF-style: chr6-89950871-C-T. GRCh37 (hg19) VCF-style: chr6-90660590-C-T.
Other names: c.1235G>A, p.Arg412Lys (NM_001170794.2); short protein forms R412K.
Identifiers: ClinVar variation 2122206 (VCV002122206.4), dbSNP rs200301007, ClinGen allele CA143342176.

ClinVar aggregate classification (germline): Uncertain significance (1 of 4 stars; one submission).

gnomAD v4.1: 1 of 1,609,382 alleles (0.000062%); highest among the groups gnomAD compares: East Asian, 0.0022%; no homozygotes.

Submission:

Labcorp Genetics (formerly Invitae), Labcorp
Classification: Uncertain significance. Last evaluated: 2022-04-06. Review status: criteria provided, single submitter. Criteria: Invitae Variant Classification Sherloc (09022015). Collection method: clinical testing. Allele origin: germline.
Comment: In summary, the available evidence is currently insufficient to determine the role of this variant in disease. Therefore, it has been classified as a Variant of Uncertain Significance. Algorithms developed to predict the effect of missense changes on protein structure and function output the following: SIFT: "Tolerated"; PolyPhen-2: "Benign"; Align-GVGD: "Class C0". The lysine amino acid residue is found in multiple mammalian species, which suggests that this missense change does not adversely affect protein function. This variant has not been reported in the literature in individuals affected with BACH2-related conditions. This variant is not present in population databases (gnomAD no frequency). This sequence change replaces arginine, which is basic and polar, with lysine, which is basic and polar, at codon 412 of the BACH2 protein (p.Arg412Lys).